The following is an entry in ClinVar:

ClinVar aggregate classification (germline): Uncertain significance (1 of 4 stars; one submission).

Conditions:
Hypercholesterolemia, autosomal dominant, 3 (FHCL3). Also called: PCSK9-Related Familial Hypercholesterolemia, Autosomal Dominant; Familial Hypercholesterolemia, Autosomal Dominant, 3; Familial hypercholesterolemia 3. Identifiers: MedGen C1863551, MONDO:0011369, OMIM 603776.

Submission:

All of Us Research Program, National Institutes of Health
Classification: Uncertain significance for Hypercholesterolemia, autosomal dominant, 3. Last evaluated: 2023-04-10. Review status: criteria provided, single submitter. Criteria: ACMG Guidelines, 2015. Collection method: clinical testing. Allele origin: germline. Inheritance: Autosomal dominant inheritance. Observed: 1 variant allele, 1 heterozygote.
Comment: This variant is located in the 5' untranslated region of the PCSK9 gene. To our knowledge, functional studies have not been reported for this variant. This variant has not been reported in individuals affected with PCSK9-related disorders in the literature. This variant has not been identified in the general population by the Genome Aggregation Database (gnomAD). The available evidence is insufficient to determine the role of this variant in disease conclusively. Therefore, this variant is classified as a Variant of Uncertain Significance.

This study involves interpretation of variants in research participants for the purpose of population health screening. Participant phenotype was not available at the time of variant classification. Additional details can be found in publication PMID: 35346344, PMCID: PMC8962531

NM_174936.4(PCSK9):c.-8del

Gene: PCSK9 (proprotein convertase subtilisin/kexin type 9; plus strand). Cytogenetic location: 1p32.3.
Variant type: Deletion.
Coding change: c.-8del on transcript NM_174936.4 (MANE Select); 8 bases upstream of the start codon, one base deleted (T; older notation c.-8delT).
Molecular consequence: 5 prime UTR variant. On other transcripts: non-coding transcript variant (8).
Genome position (GRCh38, 1-based): chr1:55,039,830, T deleted. VCF-style (leftmost placement, unchanged base first): chr1-55039829-CT-C. GRCh37 (hg19) VCF-style: chr1-55505502-CT-C.
Other names: c.-8del (NM_001407240.1, NM_001407241.1, NM_001407242.1 and 4 more transcripts); c.-742del (NM_001407246.1).
Identifiers: ClinVar variation 3070434 (VCV003070434.1), dbSNP rs2523162534, ClinGen allele CA2825000977.